The following is an entry in ClinVar:

NM_006030.4(CACNA2D2):c.3291+10G>C

Genes: CACNA2D2 (calcium voltage-gated channel auxiliary subunit alpha2delta 2; minus strand), LOC127898564 (CYB561D2-LOC101928965; plus strand). Cytogenetic location: 3p21.31.
Variant type: single nucleotide variant.
Coding change: c.3291+10G>C on transcript NM_006030.4 (MANE Select); 10 bases into the intron after coding-DNA position 3291, G replaced by C.
Molecular consequence: intron variant.
Genome position (GRCh38, 1-based): chr3:50,364,878, C>G on the plus strand (G>C on the coding strand, the complement: CACNA2D2 is on the minus strand). VCF-style: chr3-50364878-C-G. GRCh37 (hg19) VCF-style: chr3-50402309-C-G.
Other names: p.?; c.3090+10G>C (NM_001291101.1); c.3297+10G>C (NM_001005505.3); c.3312+10G>C (NM_001174051.3).
Identifiers: ClinVar variation 585338 (VCV000585338.16), dbSNP rs2239801, ClinGen allele CA2418133.

ClinVar aggregate classification (germline): Benign. Review status: criteria provided, multiple submitters, no conflicts (2 of 4 stars). 6 submissions from 6 submitters: Benign (6). Last evaluated 2026-02-03.

Conditions:
Early-infantile DEE. Also called: Early infantile epileptic encephalopathy with suppression bursts; Early infantile epileptic encephalopathy; Ohtahara syndrome. Identifiers: Orphanet 1934, MedGen C0393706, MONDO:0800491.

Allele frequency attached by ClinVar (database versions not stated): 1000 Genomes Project 30x 0.06761; 1000 Genomes Project 0.07228; ESP Exome Variant Server 0.07376; TOPMed 0.07464; gnomAD 0.08041 and 0.08103; ExAC 0.09646.
gnomAD v4.1: 169,959 of 1,613,314 alleles (11%); highest among the groups gnomAD compares: Non-Finnish European, 11%; 9,431 homozygotes.

Submissions (6):

Labcorp Genetics (formerly Invitae), Labcorp
Classification: Benign for Early-infantile DEE. Last evaluated: 2026-02-03. Review status: criteria provided, single submitter. Criteria: Invitae Variant Classification Sherloc (09022015). Collection method: clinical testing. Allele origin: germline.

Unidad de Genómica Garrahan, Hospital de Pediatría Garrahan
Classification: Benign. Last evaluated: 2024-07-31. Review status: criteria provided, single submitter. Criteria: ACMG Guidelines, 2015. Collection method: clinical testing. Allele origin: germline. Affected: no. Observed: 19 variant alleles.
Comment: This variant is classified as Benign based on local population frequency. This variant was detected in 20% of patients studied in a panel designed for Epileptic and Developmental Encephalopathy, Progressive Myoclonus Epilepsy and Abnormal Movements and Neurodegeneration with brain iron accumulation. Number of patients: 19. Only high quality variants are reported.

GeneDx
Classification: Benign. Last evaluated: 2019-11-06. Review status: criteria provided, single submitter. Criteria: GeneDx Variant Classification Process June 2021. Collection method: clinical testing. Allele origin: germline. Affected: yes.

Mayo Clinic Laboratories, Mayo Clinic
Classification: Benign. Last evaluated: 2018-04-10. Review status: criteria provided, single submitter. Criteria: ACMG Guidelines, 2015. Collection method: clinical testing. Allele origin: germline. Observed: 106 variant alleles.

Athena Diagnostics
Classification: Benign. Last evaluated: 2017-04-20. Review status: criteria provided, single submitter. Criteria: Athena Diagnostics Criteria. Collection method: clinical testing. Allele origin: germline.

Breakthrough Genomics
Classification: Benign. Review status: criteria provided, single submitter. Criteria: ACMG Guidelines, 2015. Collection method: not provided. Allele origin: germline. Inheritance: Autosomal recessive inheritance. Affected: yes.